The following is an entry in ClinVar:

ClinVar aggregate classification (germline): Likely pathogenic (1 of 4 stars; one submission).

Conditions:
Neurologic, endocrine, and pancreatic disease, multisystem, infantile-onset 2 (IMNEPD2). Also called: YARS1 Deficiency. Identifiers: MedGen C5543623, MONDO:0030375, OMIM 619418.

gnomAD v4.1: 1 of 1,614,054 alleles (0.000062%); highest among the groups gnomAD compares: South Asian, 0.0011%; no homozygotes.

Submission:

3billion
Classification: Likely pathogenic for Neurologic, endocrine, and pancreatic disease, multisystem, infantile-onset 2. Last evaluated: 2024-11-25. Review status: criteria provided, single submitter. Criteria: ACMG Guidelines, 2015. Collection method: clinical testing. Allele origin: germline. Affected: yes.
Comment: The variant is observed at an extremely low frequency in the gnomAD v4.1.0 dataset (total allele frequency: <0.001%). Predicted Consequence/Location: Missense variant. Missense changes are a common disease-causing mechanism. In silico tool predictions suggest damaging effect of the variant on gene or gene product [REVEL: 0.80 (>=0.6, sensitivity 0.68 and specificity 0.92); 3Cnet: 0.91 (>=0.6, sensitivity 0.72 and precision 0.9)]. A different missense change at the same codon (p.Pro167Thr) has been reported as pathogenic/likely pathogenic with strong evidence (ClinVar ID: VCV000662296 /PMID: 28726809). Therefore, this variant is classified as Likely pathogenic according to the recommendation of ACMG/AMP guideline.

Literature cited by the submitters: PubMed 28726809.

NM_003680.4(YARS1):c.499C>G (p.Pro167Ala)

Gene: YARS1 (tyrosyl-tRNA synthetase 1; minus strand). Cytogenetic location: 1p35.1.
Variant type: single nucleotide variant.
Coding change: c.499C>G on transcript NM_003680.4 (MANE Select); coding-DNA position 499, C replaced by G.
Protein change: p.Pro167Ala; replaces proline 167 with alanine.
Molecular consequence: missense variant.
Genome position (GRCh38, 1-based): chr1:32,806,493, G>C on the plus strand (C>G on the coding strand, the complement: YARS1 is on the minus strand). VCF-style: chr1-32806493-G-C. GRCh37 (hg19) VCF-style: chr1-33272094-G-C.
Other names: short protein forms P167A.
Identifiers: ClinVar variation 4292337 (VCV004292337.1).